The following is an entry in ClinVar:

NM_032888.4(COL27A1):c.5271C>T (p.Ser1757=)

Gene: COL27A1 (collagen type XXVII alpha 1 chain; plus strand). Cytogenetic location: 9q32.
Variant type: single nucleotide variant.
Coding change: c.5271C>T on transcript NM_032888.4 (MANE Select); coding-DNA position 5271, C replaced by T.
Protein change: p.Ser1757=; no amino-acid change (serine 1757 retained).
Molecular consequence: synonymous variant.
Genome position (GRCh38, 1-based): chr9:114,309,313, C>T. VCF-style: chr9-114309313-C-T. GRCh37 (hg19) VCF-style: chr9-117071593-C-T.
Identifiers: ClinVar variation 1116899 (VCV001116899.32), dbSNP rs369369527, ClinGen allele CA198625886.

ClinVar aggregate classification (germline): Likely benign. Review status: criteria provided, multiple submitters, no conflicts (2 of 4 stars). 2 submissions from 2 submitters: Likely benign (2). Last evaluated 2025-11-11.

Allele frequency attached by ClinVar (database versions not stated): TOPMed 0.00001; gnomAD exomes 0.00003; ESP Exome Variant Server 0.00008.
gnomAD v4.1: 49 of 1,614,012 alleles (0.003%); highest among the groups gnomAD compares: Non-Finnish European, 0.0037%; no homozygotes.

Submissions (2):

Labcorp Genetics (formerly Invitae), Labcorp
Classification: Likely benign. Last evaluated: 2025-11-11. Review status: criteria provided, single submitter. Criteria: Invitae Variant Classification Sherloc (09022015). Collection method: clinical testing. Allele origin: germline.

CeGaT Center for Human Genetics Tuebingen
Classification: Likely benign. Last evaluated: 2023-03-01. Review status: criteria provided, single submitter. Criteria: CeGaT Center For Human Genetics Tuebingen Variant Classification Criteria Version 2. Collection method: clinical testing. Allele origin: germline. Affected: yes. Observed: 1 variant allele.
Comment: COL27A1: BP4, BP7